The following is an entry in ClinVar:

NM_016207.4(CPSF3):c.75A>G (p.Arg25=)

Gene: CPSF3 (cleavage and polyadenylation specific factor 3; plus strand). Cytogenetic location: 2p25.1.
Variant type: single nucleotide variant.
Coding change: c.75A>G on transcript NM_016207.4 (MANE Select); coding-DNA position 75, A replaced by G.
Protein change: p.Arg25=; no amino-acid change (arginine 25 retained).
Molecular consequence: synonymous variant. On other transcripts: 5 prime UTR variant (3).
Genome position (GRCh38, 1-based): chr2:9,428,789, A>G. VCF-style: chr2-9428789-A-G. GRCh37 (hg19) VCF-style: chr2-9568918-A-G.
Other names: c.-37A>G (NM_001321833.2, NM_001321834.2); c.-215A>G (NM_001321835.2); c.87A>G, p.Arg29= (NM_001321836.2).
Identifiers: ClinVar variation 4980092 (VCV004980092.1).

ClinVar aggregate classification (germline): Likely benign (1 of 4 stars; one submission).

Conditions:
CPSF3-related condition.

gnomAD v4.1: 11 of 1,605,888 alleles (0.00068%); highest among the groups gnomAD compares: Middle Eastern, 0.17%; no homozygotes.

Submission:

PreventionGenetics, part of Exact Sciences
Classification: Likely benign for CPSF3-related condition. Last evaluated: 2025-12-16. Review status: criteria provided, single submitter. Criteria: ACMG Guidelines, 2015. Collection method: clinical testing. Allele origin: germline.
Comment: This variant is classified as likely benign based on ACMG/AMP sequence variant interpretation guidelines (Richards et al. 2015 PMID: 25741868, with internal and published modifications).